The following is an entry in ClinVar:

Conditions:
Long QT syndrome 5 (LQT5). Identifiers: Orphanet 101016, Orphanet 768, MedGen C1867904, MONDO:0013372, OMIM 613695.

Submission:

Roden Lab, Vanderbilt University Medical Center
No classification provided (evidence only). Condition: Long QT syndrome 5. Review status: no classification provided. Collection method: in vitro. Allele origin: not applicable. Functional consequence: Effect on ion channel function.
ClinVar note: "not provided" was previously submitted as the classification for the variant. However, the classification appeared to be based only on an observation of functional data so it was converted to no classification on 2025-07-30.

NM_000219.6(KCNE1):c.109A>C (p.Ser37Arg)

Gene: KCNE1 (potassium voltage-gated channel subfamily E regulatory subunit 1; minus strand). Cytogenetic location: 21q22.12.
Variant type: single nucleotide variant.
Coding change: c.109A>C on transcript NM_000219.6 (MANE Select); coding-DNA position 109, A replaced by C.
Protein change: p.Ser37Arg; replaces serine 37 with arginine.
Molecular consequence: missense variant.
Genome position (GRCh38, 1-based): chr21:34,449,526, T>G on the plus strand (A>C on the coding strand, the complement: KCNE1 is on the minus strand). VCF-style: chr21-34449526-T-G. GRCh37 (hg19) VCF-style: chr21-35821824-T-G.
Other names: c.109A>C, p.Ser37Arg (NM_001127668.4, NM_001127669.4, NM_001127670.4 and 4 more transcripts); short protein forms S37R.
Identifiers: ClinVar variation 3374071 (VCV003374071.2).